The following is an entry in ClinVar:

ClinVar aggregate classification (germline): Pathogenic (1 of 4 stars; one submission).

Conditions:
USH2A-related disorder. Also called: USH2A-related condition; USH2A-related disorders. Identifiers: MedGen CN239332.

gnomAD v4.1: 1 of 1,614,118 alleles (0.000062%); highest among the groups gnomAD compares: Non-Finnish European, 0.000085%; no homozygotes.

Submission:

Myriad Genetics, Inc.
Classification: Pathogenic for USH2A-related disorder. Last evaluated: 2024-10-10. Review status: criteria provided, single submitter. Criteria: Myriad Autosomal Dominant, Autosomal Recessive and X-Linked Classification Criteria (2023). Collection method: clinical testing. Allele origin: unknown.
Comment: NM_206933.2(USH2A):c.11920C>T(Q3974*) is expected to be pathogenic in the context of USH2A-related disorders. This variant is predicted to lead to an abnormal or absent protein product due to the creation of a premature termination codon in USH2A, a gene where loss-of-function variants are known to be pathogenic. Please note: this variant was assessed in the context of healthy population screening.

NM_206933.4(USH2A):c.11920C>T (p.Gln3974Ter)

Gene: USH2A (usherin; minus strand). Cytogenetic location: 1q41.
Variant type: single nucleotide variant.
Coding change: c.11920C>T on transcript NM_206933.4 (MANE Select); coding-DNA position 11920, C replaced by T.
Protein change: p.Gln3974Ter; replaces glutamine 3974 with a stop codon.
Molecular consequence: nonsense.
Genome position (GRCh38, 1-based): chr1:215,728,176, G>A on the plus strand (C>T on the coding strand, the complement: USH2A is on the minus strand). VCF-style: chr1-215728176-G-A. GRCh37 (hg19) VCF-style: chr1-215901518-G-A.
Other names: short protein forms Q3974*.
Identifiers: ClinVar variation 5013632 (VCV005013632.1).